The following is an entry in ClinVar:

ClinVar aggregate classification (germline): Uncertain significance (1 of 4 stars; one submission).

Conditions:
Mitochondrial complex I deficiency, nuclear type 1. Also called: NADH-COENZYME Q REDUCTASE DEFICIENCY; MITOCHONDRIAL NADH DEHYDROGENASE COMPONENT OF COMPLEX I, DEFICIENCY OF. Identifiers: MedGen C6022305, MONDO:0100224, OMIM 252010.

Allele frequency attached by ClinVar (database versions not stated): TOPMed 0.00001.
gnomAD v4.1: 13 of 1,583,056 alleles (0.00082%); highest among the groups gnomAD compares: Admixed American, 0.014%; no homozygotes.

Submission:

Baylor Genetics
Classification: Uncertain significance for Mitochondrial complex I deficiency, nuclear type 1. Last evaluated: 2019-02-14. Review status: criteria provided, single submitter. Criteria: ACMG Guidelines, 2015. Collection method: clinical testing. Allele origin: maternal. Affected: yes.
Comment: This variant was determined to be of uncertain significance according to ACMG Guidelines, 2015 [PMID:25741868].

NM_021074.5(NDUFV2):c.29G>T (p.Arg10Leu)

Genes: NDUFV2 (NADH:ubiquinone oxidoreductase core subunit V2; plus strand), LOC130062145 (ATAC-STARR-seq lymphoblastoid silent region 9277; plus strand). Cytogenetic location: 18p11.22.
Variant type: single nucleotide variant.
Coding change: c.29G>T on transcript NM_021074.5 (MANE Select); coding-DNA position 29, G replaced by T.
Protein change: p.Arg10Leu; replaces arginine 10 with leucine.
Molecular consequence: missense variant.
Genome position (GRCh38, 1-based): chr18:9,102,772, G>T. VCF-style: chr18-9102772-G-T. GRCh37 (hg19) VCF-style: chr18-9102770-G-T.
Other names: short protein forms R10L.
Identifiers: ClinVar variation 1028713 (VCV001028713.1), dbSNP rs1035730836, ClinGen allele CA296485750.